The following is an entry in ClinVar:

NM_004370.6(COL12A1):c.4049C>T (p.Pro1350Leu)

Gene: COL12A1 (collagen type XII alpha 1 chain; minus strand). Cytogenetic location: 6q13.
Variant type: single nucleotide variant.
Coding change: c.4049C>T on transcript NM_004370.6 (MANE Select); coding-DNA position 4049, C replaced by T.
Protein change: p.Pro1350Leu; replaces proline 1350 with leucine.
Molecular consequence: missense variant.
Genome position (GRCh38, 1-based): chr6:75,151,239, G>A on the plus strand (C>T on the coding strand, the complement: COL12A1 is on the minus strand). VCF-style: chr6-75151239-G-A. GRCh37 (hg19) VCF-style: chr6-75860955-G-A.
Other names: c.4049C>T, p.Pro1350Leu (NM_001424113.1, NM_001424114.1); c.3776C>T, p.Pro1259Leu (NM_001424115.1); c.557C>T, p.Pro186Leu (NM_001424116.1, NM_080645.3); short protein forms P186L, P1350L, P1259L.
Identifiers: ClinVar variation 2940547 (VCV002940547.3), dbSNP rs762304994, ClinGen allele CA364747216.
Genomic context (GRCh38, chr6:75,151,239, plus strand): 5'-TCATCCACTATCCTGGAGAGTGACTCAAAATCTGCCACATTGTATGCATGGGTATCATCA[G>A]GATCAGTTGCAATCATCTTTAATTCGACTTCATCAGCATTTTTAATACCTTCAAAAACGG-3'
Protein context (NP_004361.3, residues 1340-1360): EVELKMIATD[Pro1350Leu]DDTHAYNVAD

ClinVar aggregate classification (germline): Uncertain significance (1 of 4 stars; one submission).

Conditions:
Ullrich congenital muscular dystrophy 2 (UCMD2). Identifiers: Orphanet 75840, MedGen C4225314, MONDO:0014654, OMIM 616470.
Bethlem myopathy 2 (BTHLM2). Identifiers: Orphanet 536516, Orphanet 610, MedGen C4225313, MONDO:0034022, OMIM 616471.

Submission:

Labcorp Genetics (formerly Invitae), Labcorp
Classification: Uncertain significance for Bethlem myopathy 2; Ullrich congenital muscular dystrophy 2. Last evaluated: 2023-08-16. Review status: criteria provided, single submitter. Criteria: Invitae Variant Classification Sherloc (09022015). Collection method: clinical testing. Allele origin: germline.
Comment: This sequence change replaces proline, which is neutral and non-polar, with leucine, which is neutral and non-polar, at codon 1350 of the COL12A1 protein (p.Pro1350Leu). In summary, the available evidence is currently insufficient to determine the role of this variant in disease. Therefore, it has been classified as a Variant of Uncertain Significance. Advanced modeling of protein sequence and biophysical properties (such as structural, functional, and spatial information, amino acid conservation, physicochemical variation, residue mobility, and thermodynamic stability) has been performed at Invitae for this missense variant, however the output from this modeling did not meet the statistical confidence thresholds required to predict the impact of this variant on COL12A1 protein function. This variant has not been reported in the literature in individuals affected with COL12A1-related conditions. This variant is not present in population databases (gnomAD no frequency).